The following is an entry in ClinVar:

ClinVar aggregate classification (germline): Uncertain significance (1 of 4 stars; one submission).

Conditions:
Dilated cardiomyopathy 1HH (CMD1HH). Identifiers: Orphanet 154, MedGen C3151293, MONDO:0013479, OMIM 613881.
Myofibrillar myopathy 6. Identifiers: Orphanet 199340, MedGen C2751831, MONDO:0013061, OMIM 612954.

gnomAD v4.1: 7 of 1,614,154 alleles (0.00043%); highest among the groups gnomAD compares: South Asian, 0.0077%; no homozygotes.

Submission:

Labcorp Genetics (formerly Invitae), Labcorp
Classification: Uncertain significance for Dilated cardiomyopathy 1HH; Myofibrillar myopathy 6. Last evaluated: 2022-10-01. Review status: criteria provided, single submitter. Criteria: Invitae Variant Classification Sherloc (09022015). Collection method: clinical testing. Allele origin: germline.
Comment: In summary, the available evidence is currently insufficient to determine the role of this variant in disease. Therefore, it has been classified as a Variant of Uncertain Significance. Advanced modeling of protein sequence and biophysical properties (such as structural, functional, and spatial information, amino acid conservation, physicochemical variation, residue mobility, and thermodynamic stability) performed at Invitae indicates that this missense variant is not expected to disrupt BAG3 protein function. ClinVar contains an entry for this variant (Variation ID: 646948). This missense change has been observed in individual(s) with clinical features of Charcot-Marie-Tooth disease (Invitae). This variant is present in population databases (rs138078305, gnomAD 0.01%). This sequence change replaces asparagine, which is neutral and polar, with lysine, which is basic and polar, at codon 215 of the BAG3 protein (p.Asn215Lys).

NM_004281.4(BAG3):c.645C>A (p.Asn215Lys)

Gene: BAG3 (BAG cochaperone 3; plus strand). Cytogenetic location: 10q26.11.
Variant type: single nucleotide variant.
Coding change: c.645C>A on transcript NM_004281.4 (MANE Select); coding-DNA position 645, C replaced by A.
Protein change: p.Asn215Lys; replaces asparagine 215 with lysine.
Molecular consequence: missense variant.
Genome position (GRCh38, 1-based): chr10:119,672,392, C>A. VCF-style: chr10-119672392-C-A. GRCh37 (hg19) VCF-style: chr10-121431904-C-A.
Other names: short protein forms N215K.
Identifiers: ClinVar variation 646948 (VCV000646948.9), dbSNP rs138078305, ClinGen allele CA5716388.
Genomic context (GRCh38, chr10:119,672,392, plus strand): 5'-CCTGGGCAGTCACCAGCTCCCGCGGGGGTACATCTCCATTCCGGTGATACACGAGCAGAA[C>A]GTTACCCGGCCAGCAGCCCAGCCCTCCTTCCACCAAGCCCAGAAGACGCACTACCCAGCG-3'
Protein context (NP_004272.2, residues 205-225): YISIPVIHEQ[Asn215Lys]VTRPAAQPSF